The following is an entry in ClinVar:

ClinVar aggregate classification (germline): Uncertain significance (1 of 4 stars; one submission).

Submission:

GeneDx
Classification: Uncertain significance. Last evaluated: 2023-04-10. Review status: criteria provided, single submitter. Criteria: GeneDx Variant Classification Process June 2021. Collection method: clinical testing. Allele origin: germline. Affected: yes.
Comment: Not observed at significant frequency in large population cohorts (gnomAD); In silico analysis supports that this missense variant has a deleterious effect on protein structure/function; Has not been previously published as pathogenic or benign to our knowledge

NM_012448.4(STAT5B):c.2093G>T (p.Gly698Val)

Gene: STAT5B (signal transducer and activator of transcription 5B; minus strand). Cytogenetic location: 17q21.2.
Variant type: single nucleotide variant.
Coding change: c.2093G>T on transcript NM_012448.4 (MANE Select); coding-DNA position 2093, G replaced by T.
Protein change: p.Gly698Val; replaces glycine 698 with valine.
Molecular consequence: missense variant.
Genome position (GRCh38, 1-based): chr17:42,202,793, C>A on the plus strand (G>T on the coding strand, the complement: STAT5B is on the minus strand). VCF-style: chr17-42202793-C-A. GRCh37 (hg19) VCF-style: chr17-40354811-C-A.
Other names: short protein forms G698V.
Identifiers: ClinVar variation 3342958 (VCV003342958.1).